The following is an entry in ClinVar:

NM_198239.2(CCN6):c.510_511del (p.Gly171fs)

Gene: CCN6 (cellular communication network factor 6; plus strand). Cytogenetic location: 6q21.
Variant type: Deletion.
Coding change: c.510_511del on transcript NM_198239.2 (MANE Select); coding-DNA positions 510 to 511, 2 bases deleted (TG; older notation c.510_511delTG).
Protein change: p.Gly171fs; shifts the reading frame from glycine 171.
Molecular consequence: frameshift variant. On other transcripts: non-coding transcript variant (2).
Genome position (GRCh38, 1-based): chr6:112,064,918-112,064,919, TG deleted; deleting any 2 consecutive bases within chr6:112,064,917-112,064,919 gives the same sequence; the c. name uses the placement nearest the transcript's 3' end. VCF-style (leftmost placement, unchanged base first): chr6-112064916-GGT-G. GRCh37 (hg19) VCF-style: chr6-112386119-GGT-G.
Other names: c.510_511del, p.Gly171fs (NM_003880.4); short protein forms G171fs.
Identifiers: ClinVar variation 3715284 (VCV003715284.2).

ClinVar aggregate classification (germline): Pathogenic (1 of 4 stars; one submission).

Submission:

Labcorp Genetics (formerly Invitae), Labcorp
Classification: Pathogenic. Last evaluated: 2024-09-12. Review status: criteria provided, single submitter. Criteria: Invitae Variant Classification Sherloc (09022015). Collection method: clinical testing. Allele origin: germline.
Comment: This sequence change creates a premature translational stop signal (p.Gly171Lysfs*4) in the WISP3 gene. It is expected to result in an absent or disrupted protein product. Loss-of-function variants in WISP3 are known to be pathogenic (PMID: 22791401). This variant is not present in population databases (gnomAD no frequency). This variant has not been reported in the literature in individuals affected with WISP3-related conditions. For these reasons, this variant has been classified as Pathogenic.

Literature cited by the submitters: PubMed 22791401.